The following is an entry in ClinVar:

NM_000540.3(RYR1):c.8071T>C (p.Tyr2691His)

Gene: RYR1 (ryanodine receptor 1; plus strand). Cytogenetic location: 19q13.2.
Variant type: single nucleotide variant.
Coding change: c.8071T>C on transcript NM_000540.3 (MANE Select); coding-DNA position 8071, T replaced by C.
Protein change: p.Tyr2691His; replaces tyrosine 2691 with histidine.
Molecular consequence: missense variant.
Genome position (GRCh38, 1-based): chr19:38,504,751, T>C. VCF-style: chr19-38504751-T-C. GRCh37 (hg19) VCF-style: chr19-38995391-T-C.
Other names: c.8071T>C, p.Tyr2691His (NM_001042723.2); short protein forms Y2691H.
Identifiers: ClinVar variation 1445891 (VCV001445891.10), dbSNP rs1221624769, ClinGen allele CA405676401.
Genomic context (GRCh38, chr19:38,504,751, plus strand): 5'-TGGGGGTCAGTAAGGCTTATAGCGACCTCCTACCCCTGCTTCACCCGGTTTTCCCAGAAA[T>C]ACGACCCGGAGCTGTACCGCATGGCCATGCCTTGTCTGTGCGCCATTGCCGGGGCTCTGC-3'
Protein context (NP_000531.2, residues 2681-2701): GIFDSLAHKK[Tyr2691His]DPELYRMAMP

ClinVar aggregate classification (germline): Uncertain significance. Review status: criteria provided, multiple submitters, no conflicts (2 of 4 stars). 2 submissions from 2 submitters: Uncertain significance (2). Last evaluated 2023-03-27.

Conditions:
RYR1-related disorder. Also called: RYR1-related condition; RYR1-related disorders. Identifiers: MedGen CN239331.

gnomAD v4.1: 1 of 1,614,062 alleles (0.000062%); highest among the groups gnomAD compares: Non-Finnish European, 0.000085%; no homozygotes.

Submissions (2):

Revvity Omics, Revvity
Classification: Uncertain significance. Last evaluated: 2023-03-27. Review status: criteria provided, single submitter. Criteria: ACMG Guidelines, 2015. Collection method: clinical testing. Allele origin: germline.

Labcorp Genetics (formerly Invitae), Labcorp
Classification: Uncertain significance for RYR1-related disorder. Last evaluated: 2021-04-23. Review status: criteria provided, single submitter. Criteria: Invitae Variant Classification Sherloc (09022015). Collection method: clinical testing. Allele origin: germline.
Comment: In summary, the available evidence is currently insufficient to determine the role of this variant in disease. Therefore, it has been classified as a Variant of Uncertain Significance. Algorithms developed to predict the effect of missense changes on protein structure and function are either unavailable or do not agree on the potential impact of this missense change (SIFT: "Deleterious"; PolyPhen-2: "Benign"; Align-GVGD: "Class C0"). This variant has been observed in individual(s) with clinical features of malignant hyperthermia (Invitae). This variant is not present in population databases (ExAC no frequency). This sequence change replaces tyrosine with histidine at codon 2691 of the RYR1 protein (p.Tyr2691His). The tyrosine residue is moderately conserved and there is a moderate physicochemical difference between tyrosine and histidine.